The following is an entry in ClinVar:

NM_004628.5(XPC):c.2420+1G>C

Gene: XPC (XPC complex subunit, DNA damage recognition and repair factor; minus strand). Cytogenetic location: 3p25.1.
Variant type: single nucleotide variant.
Coding change: c.2420+1G>C on transcript NM_004628.5 (MANE Select); the canonical splice donor site of the intron after coding-DNA position 2420, G replaced by C.
Molecular consequence: splice donor variant.
Genome position (GRCh38, 1-based): chr3:14,148,561, C>G on the plus strand (G>C on the coding strand, the complement: XPC is on the minus strand). VCF-style: chr3-14148561-C-G. GRCh37 (hg19) VCF-style: chr3-14190061-C-G.
Other names: c.2402+1G>C (NM_001354729.2); c.1841+1G>C (NM_001354726.2); c.2174+1G>C (NM_001354730.2); c.2414+1G>C (NM_001354727.2).
Identifiers: ClinVar variation 4293350 (VCV004293350.1).
Genomic context (GRCh38, chr3:14,148,561, plus strand): 5'-ATCTCTGGAGCCACCCCTCCCCATCCCTGTGTTTAGCCTCCATCGAAGGCCCCTCACGCA[C>G]ACGGGATGGGAGTAGCCGCCATGGAAATCAAAGCCAGTGATGGCCTGGACACAGTCGATG-3'

ClinVar aggregate classification (germline): Pathogenic (1 of 4 stars; one submission).

Conditions:
Xeroderma pigmentosum, group C (XPC). Also called: XPC-Related Xeroderma Pigmentosum; XERODERMA PIGMENTOSUM III; XP, GROUP C; Xeroderma pigmentosum, complementation group C. Identifiers: Orphanet 910, MedGen C2752147, MONDO:0010211, OMIM 278720.

Submission:

3billion
Classification: Pathogenic for Xeroderma pigmentosum, group C. Last evaluated: 2024-09-23. Review status: criteria provided, single submitter. Criteria: ACMG Guidelines, 2015. Collection method: clinical testing. Allele origin: germline. Affected: yes.
Comment: The variant is not observed in the gnomAD v4.0.0 dataset. Predicted Consequence/Location: Canonical splice site: predicted to alter splicing and result in a loss or disruption of normal protein function. Multiple pathogenic loss-of-function variants are reported downstream of the variant. In silico tools predict the variant to alter splicing and produce an abnormal transcript [SpliceAI: 0.99 (spliceogenicity >=0.2, non-spliceogenicity <0.1)]. Therefore, this variant is classified as Pathogenic according to the recommendation of ACMG/AMP guideline.